The following is an entry in ClinVar:

ClinVar aggregate classification (germline): Uncertain significance (1 of 4 stars; one submission).

gnomAD v4.1: 2 of 1,612,906 alleles (0.00012%); highest among the groups gnomAD compares: South Asian, 0.0011%; no homozygotes.

Submission:

Women's Health and Genetics/Laboratory Corporation of America, LabCorp
Classification: Uncertain significance. Last evaluated: 2024-09-24. Review status: criteria provided, single submitter. Criteria: LabCorp Variant Classification Summary - May 2015. Collection method: clinical testing. Allele origin: germline.
Comment: Variant summary: COL11A2 c.2702G>A (p.Gly901Glu) results in a non-conservative amino acid change in the encoded protein sequence. Five of five in-silico tools predict a damaging effect of the variant on protein function. The variant allele was found at a frequency of 4.1e-06 in 244282 control chromosomes (gnomAD). The available data on variant occurrences in the general population are insufficient to allow any conclusion about variant significance. To our knowledge, no occurrence of c.2702G>A in individuals affected with COL11A2-Related Disorders and no experimental evidence demonstrating its impact on protein function have been reported. No submitters have cited clinical-significance assessments for this variant to ClinVar. Based on the evidence outlined above, the variant was classified as uncertain significance.

NM_080680.3(COL11A2):c.2702G>A (p.Gly901Glu)

Gene: COL11A2 (collagen type XI alpha 2 chain; minus strand). Cytogenetic location: 6p21.32.
Variant type: single nucleotide variant.
Coding change: c.2702G>A on transcript NM_080680.3 (MANE Select); coding-DNA position 2702, G replaced by A.
Protein change: p.Gly901Glu; replaces glycine 901 with glutamic acid.
Molecular consequence: missense variant.
Genome position (GRCh38, 1-based): chr6:33,173,382, C>T on the plus strand (G>A on the coding strand, the complement: COL11A2 is on the minus strand). VCF-style: chr6-33173382-C-T. GRCh37 (hg19) VCF-style: chr6-33141159-C-T.
Other names: c.2522G>A, p.Gly841Glu (NM_001424108.1); c.1856G>A, p.Gly619Glu (NM_001424109.1); c.1676G>A, p.Gly559Glu (NM_001424110.1, NM_001424111.1); c.656G>A, p.Gly219Glu (NM_001424112.1); c.2381G>A, p.Gly794Glu (NM_080679.3); c.2444G>A, p.Gly815Glu (NM_080681.3); short protein forms G219E, G559E, G619E, G794E, G815E, G841E, G901E.
Identifiers: ClinVar variation 3375243 (VCV003375243.1).